The following is an entry in ClinVar:

ClinVar aggregate classification (germline): Uncertain significance (1 of 4 stars; one submission).

Allele frequency attached by ClinVar (database versions not stated): gnomAD exomes below 0.00001; TOPMed below 0.00001.
gnomAD v4.1: 1 of 1,613,756 alleles (0.000062%); highest among the groups gnomAD compares: African/African-American, 0.0013%; no homozygotes.

Submission:

Labcorp Genetics (formerly Invitae), Labcorp
Classification: Uncertain significance. Last evaluated: 2022-09-01. Review status: criteria provided, single submitter. Criteria: Invitae Variant Classification Sherloc (09022015). Collection method: clinical testing. Allele origin: germline.
Comment: This sequence change replaces alanine, which is neutral and non-polar, with valine, which is neutral and non-polar, at codon 379 of the PCDH15 protein (p.Ala379Val). This variant is not present in population databases (gnomAD no frequency). This variant has not been reported in the literature in individuals affected with PCDH15-related conditions. ClinVar contains an entry for this variant (Variation ID: 1361471). Algorithms developed to predict the effect of missense changes on protein structure and function are either unavailable or do not agree on the potential impact of this missense change (SIFT: "Deleterious"; PolyPhen-2: "Probably Damaging"; Align-GVGD: "Class C0"). In summary, the available evidence is currently insufficient to determine the role of this variant in disease. Therefore, it has been classified as a Variant of Uncertain Significance.

NM_001384140.1(PCDH15):c.1136C>T (p.Ala379Val)

Gene: PCDH15 (protocadherin related 15; minus strand). Cytogenetic location: 10q21.1.
Variant type: single nucleotide variant.
Coding change: c.1136C>T on transcript NM_001384140.1 (MANE Select); coding-DNA position 1136, C replaced by T.
Protein change: p.Ala379Val; replaces alanine 379 with valine.
Molecular consequence: missense variant.
Genome position (GRCh38, 1-based): chr10:54,195,852, G>A on the plus strand (C>T on the coding strand, the complement: PCDH15 is on the minus strand). VCF-style: chr10-54195852-G-A. GRCh37 (hg19) VCF-style: chr10-55955612-G-A.
Other names: c.1136C>T, p.Ala379Val (NM_001142770.3, NM_001142772.2, NM_001354411.2 and 7 more transcripts); c.1151C>T, p.Ala384Val (NM_001142771.2, NM_001142763.2, NM_001142769.4); c.1070C>T, p.Ala357Val (NM_001142773.2, NM_001354404.2, NM_001142768.2); c.1025C>T, p.Ala342Val (NM_001142767.2); short protein forms A379V, A342V, A384V, A357V.
Identifiers: ClinVar variation 1361471 (VCV001361471.8), dbSNP rs2049565591, ClinGen allele CA376519589.